The following is an entry in ClinVar:

ClinVar aggregate classification (germline): Likely benign. Review status: criteria provided, multiple submitters, no conflicts (2 of 4 stars). 4 submissions from 4 submitters: Likely benign (4). Last evaluated 2025-02-18.

Conditions:
MTPAP-related disorder. Also called: MTPAP-related condition.

Allele frequency attached by ClinVar (database versions not stated): TOPMed 0.00006; ESP Exome Variant Server 0.00008; ExAC 0.00009; gnomAD exomes 0.00009 and 0.00016; gnomAD 0.00013 and 0.00015.
gnomAD v4.1: 262 of 1,613,928 alleles (0.016%); highest among the groups gnomAD compares: Non-Finnish European, 0.019%; 1 homozygote.

Submissions (4):

Labcorp Genetics (formerly Invitae), Labcorp
Classification: Likely benign. Last evaluated: 2025-02-18. Review status: criteria provided, single submitter. Criteria: Invitae Variant Classification Sherloc (09022015). Collection method: clinical testing. Allele origin: germline.

PreventionGenetics, part of Exact Sciences
Classification: Likely benign for MTPAP-related condition. Last evaluated: 2025-01-02. Review status: criteria provided, single submitter. Criteria: ACMG Guidelines, 2015. Collection method: clinical testing. Allele origin: germline.
Comment: This variant is classified as likely benign based on ACMG/AMP sequence variant interpretation guidelines (Richards et al. 2015 PMID: 25741868, with internal and published modifications).

Blueprint Genetics
Classification: Likely benign. Last evaluated: 2024-11-20. Review status: criteria provided, single submitter. Criteria: ACMG Guidelines, 2015. Collection method: clinical testing. Allele origin: germline.

CeGaT Center for Human Genetics Tuebingen
Classification: Likely benign. Last evaluated: 2022-08-01. Review status: criteria provided, single submitter. Criteria: CeGaT Center For Human Genetics Tuebingen Variant Classification Criteria Version 2. Collection method: clinical testing. Allele origin: germline. Affected: yes. Observed: 1 variant allele.
Comment: MTPAP: BP4, BP7

NM_018109.4(MTPAP):c.261T>C (p.Ser87=)

Gene: MTPAP (mitochondrial poly(A) polymerase; minus strand). Cytogenetic location: 10p11.23.
Variant type: single nucleotide variant.
Coding change: c.261T>C on transcript NM_018109.4 (MANE Select); coding-DNA position 261, T replaced by C.
Protein change: p.Ser87=; no amino-acid change (serine 87 retained).
Molecular consequence: synonymous variant.
Genome position (GRCh38, 1-based): chr10:30,341,537, A>G on the plus strand (T>C on the coding strand, the complement: MTPAP is on the minus strand). VCF-style: chr10-30341537-A-G. GRCh37 (hg19) VCF-style: chr10-30630466-A-G.
Other names: c.261T>C (NM_018109.3).
Identifiers: ClinVar variation 1614810 (VCV001614810.34), dbSNP rs369594004, ClinGen allele CA5459242.